The following is an entry in ClinVar:

ClinVar aggregate classification (germline): Likely benign. Review status: criteria provided, multiple submitters, no conflicts (2 of 4 stars). 4 submissions from 4 submitters: Likely benign (4). Last evaluated 2025-02-01.

Conditions:
Congenital contractural arachnodactyly (CCA). Also called: Arthrogryposis, distal, type 9; BEALS SYNDROME; Beals-Hecht syndrome. Identifiers: Orphanet 115, MedGen C0220668, MONDO:0007363, OMIM 121050.
Familial thoracic aortic aneurysm and aortic dissection (TAAD). Also called: Thoracic aortic aneurysms and dissections. Identifiers: Orphanet 91387, MedGen C4707243, MONDO:0019625.

Allele frequency attached by ClinVar (database versions not stated): gnomAD 0.00001 and 0.00002; gnomAD exomes 0.00001.
gnomAD v4.1: 14 of 1,613,416 alleles (0.00087%); highest among the groups gnomAD compares: East Asian, 0.0067%; no homozygotes.

Submissions (4):

CeGaT Center for Human Genetics Tuebingen
Classification: Likely benign. Last evaluated: 2025-02-01. Review status: criteria provided, single submitter. Criteria: CeGaT Center For Human Genetics Tuebingen Variant Classification Criteria Version 2. Collection method: clinical testing. Allele origin: germline. Affected: yes. Observed: 1 variant allele.
Comment: FBN2: BP4, BP7

Ambry Genetics
Classification: Likely benign for Familial thoracic aortic aneurysm and aortic dissection. Last evaluated: 2022-08-30. Review status: criteria provided, single submitter. Criteria: Ambry Variant Classification Scheme 2023. Collection method: clinical testing. Allele origin: germline.

Blueprint Genetics
Classification: Likely benign. Last evaluated: 2021-11-30. Review status: criteria provided, single submitter. Criteria: ACMG Guidelines, 2015. Collection method: clinical testing. Allele origin: germline.

Labcorp Genetics (formerly Invitae), Labcorp
Classification: Likely benign for Congenital contractural arachnodactyly. Last evaluated: 2019-02-05. Review status: criteria provided, single submitter. Criteria: Invitae Variant Classification Sherloc (09022015). Collection method: clinical testing. Allele origin: germline.

NM_001999.4(FBN2):c.1866A>G (p.Thr622=)

Gene: FBN2 (fibrillin 2; minus strand). Cytogenetic location: 5q23.3.
Variant type: single nucleotide variant.
Coding change: c.1866A>G on transcript NM_001999.4 (MANE Select); coding-DNA position 1866, A replaced by G.
Protein change: p.Thr622=; no amino-acid change (threonine 622 retained).
Molecular consequence: synonymous variant.
Genome position (GRCh38, 1-based): chr5:128,376,837, T>C on the plus strand (A>G on the coding strand, the complement: FBN2 is on the minus strand). VCF-style: chr5-128376837-T-C. GRCh37 (hg19) VCF-style: chr5-127712530-T-C.
Identifiers: ClinVar variation 416907 (VCV000416907.30), dbSNP rs1060504934, ClinGen allele CA16611899.